The following is an entry in ClinVar:

ClinVar aggregate classification (germline): Likely pathogenic. Review status: criteria provided, single submitter (1 of 4 stars). 2 submissions from 2 submitters: Likely pathogenic (1). 1 of the submissions does not count toward it. Last evaluated 2022-04-21.

Conditions:
Pontocerebellar hypoplasia, type 1E. Identifiers: MedGen C5543328, MONDO:0030260, OMIM 619303.

Submissions (2):

GeneDx
Classification: Likely pathogenic. Last evaluated: 2022-04-21. Review status: criteria provided, single submitter. Criteria: GeneDx Variant Classification Process June 2021. Collection method: clinical testing. Allele origin: germline. Affected: yes.
Comment: Frameshift variant predicted to result in protein truncation, as the last 123 amino acids are replaced with 2 different amino acids, and other loss-of-function variants have been reported downstream in HGMD; Not observed at significant frequency in large population cohorts (gnomAD); This variant is associated with the following publications: (PMID: 26168012)

OMIM
Classification: Pathogenic for PONTOCEREBELLAR HYPOPLASIA, TYPE 1E. Last evaluated: 2021-05-06. Review status: no assertion criteria provided. Collection method: literature only. Allele origin: germline. Not counted in ClinVar's aggregate classification.

Literature cited by the submitters: PubMed 26168012 (cited by OMIM); PubMed 27543974 (cited by OMIM).

NM_138773.4(SLC25A46):c.882_885dup (p.Asn296fs)

Gene: SLC25A46 (solute carrier family 25 member 46; plus strand). Cytogenetic location: 5q22.1.
Variant type: Duplication.
Coding change: c.882_885dup on transcript NM_138773.4 (MANE Select); coding-DNA positions 882 to 885, 4 bases duplicated (TTAC; older notation c.882_885dupTTAC).
Protein change: p.Asn296fs; shifts the reading frame from asparagine 296.
Molecular consequence: frameshift variant. On other transcripts: non-coding transcript variant (1), intron variant (1).
Genome position (GRCh38, 1-based): chr5:110,761,407-110,761,410, TTAC duplicated; duplicating any 4 consecutive bases within chr5:110,761,405-110,761,410 gives the same sequence; the c. name uses the placement nearest the transcript's 3' end. VCF-style (leftmost placement, unchanged base first): chr5-110761404-G-GACTT. GRCh37 (hg19) VCF-style: chr5-110097104-G-GACTT.
Other names: c.609_612dup, p.Asn205fs (NM_001303250.3); c.679-40_679-37dup (NM_001303249.3); short protein forms N296fs, N205fs.
Identifiers: ClinVar variation 372240 (VCV000372240.5), dbSNP rs1057518749, ClinGen allele CA16042258.